The following is an entry in ClinVar:

NM_017780.4(CHD7):c.3811_3814del (p.Glu1271fs)

Gene: CHD7 (chromodomain helicase DNA binding protein 7; plus strand). Cytogenetic location: 8q12.2.
Variant type: Deletion.
Coding change: c.3811_3814del on transcript NM_017780.4 (MANE Select); coding-DNA positions 3811 to 3814, 4 bases deleted (GAAA; older notation c.3811_3814delGAAA).
Protein change: p.Glu1271fs; shifts the reading frame from glutamic acid 1271.
Molecular consequence: frameshift variant. On other transcripts: intron variant (1).
Genome position (GRCh38, 1-based): chr8:60,836,105-60,836,108, GAAA deleted; deleting any 4 consecutive bases within chr8:60,836,102-60,836,108 gives the same sequence; the c. name uses the placement nearest the transcript's 3' end. VCF-style (leftmost placement, unchanged base first): chr8-60836101-TAAAG-T. GRCh37 (hg19) VCF-style: chr8-61748660-TAAAG-T.
Other names: c.3811_3814del (LRG_176t1); c.1717-26124_1717-26121del (NM_001316690.1); short protein forms E1271fs.
Identifiers: ClinVar variation 267429 (VCV000267429.2), dbSNP rs886040990, ClinGen allele CA10602496.

ClinVar aggregate classification (germline): Pathogenic (1 of 4 stars; one submission).

Conditions:
CHARGE syndrome (CHARGE). Also called: Hittner Hirsch Kreh syndrome; Coloboma, heart anomaly, choanal atresia, retardation, genital and ear anomalies; CHARGE association; Hall-Hittner syndrome; CHARGE ASSOCIATION--COLOBOMA, HEART ANOMALY, CHOANAL ATRESIA, RETARDATION, GENITAL AND EAR ANOMALIES. Identifiers: Orphanet 138, MedGen C0265354, MONDO:0008965.

Submission:

Genomic Diagnostic Laboratory, Division of Genomic Diagnostics, Children's Hospital of Philadelphia
Classification: Pathogenic for CHARGE syndrome. Last evaluated: 2016-09-05. Review status: criteria provided, single submitter. Criteria: DGD Variant Analysis Guidelines. Collection method: clinical testing. Allele origin: germline. Affected: yes. Observed: 1 variant allele.
Comment: Clinical Testing